The following is an entry in ClinVar:

NM_053025.4(MYLK):c.1357C>G (p.Pro453Ala)

Gene: MYLK (myosin light chain kinase; minus strand). Cytogenetic location: 3q21.1.
Variant type: single nucleotide variant.
Coding change: c.1357C>G on transcript NM_053025.4 (MANE Select); coding-DNA position 1357, C replaced by G.
Protein change: p.Pro453Ala; replaces proline 453 with alanine.
Molecular consequence: missense variant. On other transcripts: intron variant (2).
Genome position (GRCh38, 1-based): chr3:123,733,055, G>C on the plus strand (C>G on the coding strand, the complement: MYLK is on the minus strand). VCF-style: chr3-123733055-G-C. GRCh37 (hg19) VCF-style: chr3-123451902-G-C.
Other names: c.829C>G, p.Pro277Ala (NM_001321309.2); c.1357C>G, p.Pro453Ala (NM_053027.4); c.1309+632C>G (NM_053028.4, NM_053026.4); short protein forms P277A, P453A.
Identifiers: ClinVar variation 2870456 (VCV002870456.3), dbSNP rs2062542418, ClinGen allele CA354238320.

ClinVar aggregate classification (germline): Uncertain significance (1 of 4 stars; one submission).

Conditions:
Aortic aneurysm, familial thoracic 7 (AAT7). Also called: AORTIC DISSECTION, FAMILIAL, WITH OR WITHOUT AORTIC ANEURYSM. Identifiers: MedGen C3151077, MONDO:0013418, OMIM 613780.

Submission:

Labcorp Genetics (formerly Invitae), Labcorp
Classification: Uncertain significance for Aortic aneurysm, familial thoracic 7. Last evaluated: 2025-03-31. Review status: criteria provided, single submitter. Criteria: Invitae Variant Classification Sherloc (09022015). Collection method: clinical testing. Allele origin: germline.
Comment: This sequence change replaces proline, which is neutral and non-polar, with alanine, which is neutral and non-polar, at codon 453 of the MYLK protein (p.Pro453Ala). This variant is not present in population databases (gnomAD no frequency). This variant has not been reported in the literature in individuals affected with MYLK-related conditions. ClinVar contains an entry for this variant (Variation ID: 2870456). Invitae Evidence Modeling of protein sequence and biophysical properties (such as structural, functional, and spatial information, amino acid conservation, physicochemical variation, residue mobility, and thermodynamic stability) indicates that this missense variant is not expected to disrupt MYLK protein function with a negative predictive value of 95%. In summary, the available evidence is currently insufficient to determine the role of this variant in disease. Therefore, it has been classified as a Variant of Uncertain Significance.